The following is an entry in ClinVar:

NM_001142800.2(EYS):c.9115T>C (p.Phe3039Leu)

Genes: EYS (eyes shut homolog; minus strand), PHF3 (PHD finger protein 3; plus strand). Cytogenetic location: 6q12.
Variant type: single nucleotide variant.
Coding change: c.9115T>C on transcript NM_001142800.2 (MANE Select); coding-DNA position 9115, T replaced by C.
Protein change: p.Phe3039Leu; replaces phenylalanine 3039 with leucine.
Molecular consequence: missense variant. On other transcripts: 3 prime UTR variant (5).
Genome position (GRCh38, 1-based): chr6:63,720,916, A>G on the plus strand (T>C on the coding strand, the complement: EYS is on the minus strand). VCF-style: chr6-63720916-A-G. GRCh37 (hg19) VCF-style: chr6-64430812-A-G.
Other names: c.*7208A>G (NM_001290259.2, NM_001370348.2, NM_001370349.2 and 2 more transcripts); c.9178T>C, p.Phe3060Leu (NM_001292009.2); short protein forms F3060L, F3039L.
Identifiers: ClinVar variation 1442792 (VCV001442792.6), dbSNP rs1392832730, ClinGen allele CA364383228.

ClinVar aggregate classification (germline): Uncertain significance. Review status: criteria provided, multiple submitters, no conflicts (2 of 4 stars). 2 submissions from 2 submitters: Uncertain significance (2). Last evaluated 2023-10-01.

Conditions:
Retinal dystrophy. Also called: Inherited retinal dystrophy. Identifiers: Orphanet 71862, MedGen C0854723, MeSH D058499, MONDO:0019118, HP:0000556.

Allele frequency attached by ClinVar (database versions not stated): gnomAD 0.00001; gnomAD exomes 0.00001; TOPMed 0.00001.
gnomAD v4.1: 11 of 1,550,922 alleles (0.00071%); highest among the groups gnomAD compares: Admixed American, 0.002%; no homozygotes.

Submissions (2):

Dept Of Ophthalmology, Nagoya University
Classification: Uncertain significance for Retinal dystrophy. Last evaluated: 2023-10-01. Review status: criteria provided, single submitter. Criteria: Submitter's publication. Collection method: research. Allele origin: germline. Affected: yes.

Labcorp Genetics (formerly Invitae), Labcorp
Classification: Uncertain significance. Last evaluated: 2021-09-01. Review status: criteria provided, single submitter. Criteria: Invitae Variant Classification Sherloc (09022015). Collection method: clinical testing. Allele origin: germline.
Comment: This sequence change replaces phenylalanine with leucine at codon 3039 of the EYS protein (p.Phe3039Leu). The phenylalanine residue is moderately conserved and there is a small physicochemical difference between phenylalanine and leucine. This variant is not present in population databases (ExAC no frequency). This variant has not been reported in the literature in individuals affected with EYS-related conditions. Algorithms developed to predict the effect of missense changes on protein structure and function output the following: SIFT: "Tolerated"; PolyPhen-2: "Benign"; Align-GVGD: "Class C0". The leucine amino acid residue is found in multiple mammalian species, which suggests that this missense change does not adversely affect protein function. In summary, the available evidence is currently insufficient to determine the role of this variant in disease. Therefore, it has been classified as a Variant of Uncertain Significance.